The following is an entry in ClinVar:

NM_005149.3(TBX19):c.359G>A (p.Ser120Asn)

Gene: TBX19 (T-box transcription factor 19; plus strand). Cytogenetic location: 1q24.2.
Variant type: single nucleotide variant.
Coding change: c.359G>A on transcript NM_005149.3 (MANE Select); coding-DNA position 359, G replaced by A.
Protein change: p.Ser120Asn; replaces serine 120 with asparagine.
Molecular consequence: missense variant.
Genome position (GRCh38, 1-based): chr1:168,291,315, G>A. VCF-style: chr1-168291315-G-A. GRCh37 (hg19) VCF-style: chr1-168260553-G-A.
Other names: c.359G>A (NM_005149.2); short protein forms S120N.
Identifiers: ClinVar variation 1425168 (VCV001425168.7), dbSNP rs775314646, ClinGen allele CA1230466.
Genomic context (GRCh38, chr1:168,291,315, plus strand): 5'-GCTGGAAGTACGTCAACGGGGAATGGGTGCCCGCTGGCAAGCCAGAGGTCTCCAGCCACA[G>A]CTGCGTCTACATTCACCCGGACTCCCCCAACTTTGGGGCCCACTGGATGAAAGCTCCCAT-3'
Protein context (NP_005140.1, residues 110-130): PAGKPEVSSH[Ser120Asn]CVYIHPDSPN

ClinVar aggregate classification (germline): Uncertain significance. Review status: criteria provided, multiple submitters, no conflicts (2 of 4 stars). 2 submissions from 2 submitters: Uncertain significance (2). Last evaluated 2025-01-20.

Conditions:
Inborn genetic diseases. Identifiers: MedGen C0950123, MeSH D030342.

Allele frequency attached by ClinVar (database versions not stated): TOPMed 0.00001; ExAC 0.00002; gnomAD exomes 0.00002 and 0.00003.

Submissions (2):

Ambry Genetics
Classification: Uncertain significance for Inborn genetic diseases. Last evaluated: 2025-01-20. Review status: criteria provided, single submitter. Criteria: Ambry Variant Classification Scheme 2023. Collection method: clinical testing. Allele origin: germline.

Labcorp Genetics (formerly Invitae), Labcorp
Classification: Uncertain significance. Last evaluated: 2024-10-15. Review status: criteria provided, single submitter. Criteria: Invitae Variant Classification Sherloc (09022015). Collection method: clinical testing. Allele origin: germline.
Comment: This sequence change replaces serine, which is neutral and polar, with asparagine, which is neutral and polar, at codon 120 of the TBX19 protein (p.Ser120Asn). This variant is present in population databases (rs775314646, gnomAD 0.005%). This variant has not been reported in the literature in individuals affected with TBX19-related conditions. ClinVar contains an entry for this variant (Variation ID: 1425168). An algorithm developed to predict the effect of missense changes on protein structure and function (PolyPhen-2) suggests that this variant is likely to be disruptive. In summary, the available evidence is currently insufficient to determine the role of this variant in disease. Therefore, it has been classified as a Variant of Uncertain Significance.